The following is an entry in ClinVar:

NM_005689.4(ABCB6):c.83T>C (p.Phe28Ser)

Gene: ABCB6 (ATP binding cassette subfamily B member 6 (LAN blood group); minus strand). Cytogenetic location: 2q35.
Variant type: single nucleotide variant.
Coding change: c.83T>C on transcript NM_005689.4 (MANE Select); coding-DNA position 83, T replaced by C.
Protein change: p.Phe28Ser; replaces phenylalanine 28 with serine.
Molecular consequence: missense variant.
Genome position (GRCh38, 1-based): chr2:219,218,591, A>G on the plus strand (T>C on the coding strand, the complement: ABCB6 is on the minus strand). VCF-style: chr2-219218591-A-G. GRCh37 (hg19) VCF-style: chr2-220083313-A-G.
Other names: c.83T>C, p.Phe28Ser (NM_001349828.2); short protein forms F28S.
Identifiers: ClinVar variation 4700409 (VCV004700409.1).

ClinVar aggregate classification (germline): Uncertain significance (1 of 4 stars; one submission).

gnomAD v4.1: 7 of 1,612,478 alleles (0.00043%); highest among the groups gnomAD compares: Admixed American, 0.005%; no homozygotes.

Submission:

Labcorp Genetics (formerly Invitae), Labcorp
Classification: Uncertain significance. Last evaluated: 2025-08-29. Review status: criteria provided, single submitter. Criteria: Invitae Variant Classification Sherloc (09022015). Collection method: clinical testing. Allele origin: germline.
Comment: This sequence change replaces phenylalanine, which is neutral and non-polar, with serine, which is neutral and polar, at codon 28 of the ABCB6 protein (p.Phe28Ser). This variant is present in population databases (no rsID available, gnomAD 0.003%). This variant has not been reported in the literature in individuals affected with ABCB6-related conditions. An algorithm developed to predict the effect of missense changes on protein structure and function (PolyPhen-2) suggests that this variant is likely to be tolerated. In summary, the available evidence is currently insufficient to determine the role of this variant in disease. Therefore, it has been classified as a Variant of Uncertain Significance.